The following is an entry in ClinVar:

ClinVar aggregate classification (germline): Pathogenic (1 of 4 stars; one submission).

Conditions:
Familial cancer of breast. Also called: BREAST CANCER, FAMILIAL; hereditary breast carcinoma; Hereditary breast cancer. Identifiers: Orphanet 227535, MedGen C0346153, MONDO:0016419, OMIM 114480. Disease mechanism: loss of function.

Submission:

Labcorp Genetics (formerly Invitae), Labcorp
Classification: Pathogenic for Familial cancer of breast. Last evaluated: 2018-03-28. Review status: criteria provided, single submitter. Criteria: Invitae Variant Classification Sherloc (09022015). Collection method: clinical testing. Allele origin: germline.
Comment: For these reasons, this variant has been classified as Pathogenic. Loss-of-function variants in CHEK2 are known to be pathogenic (PMID: 21876083, 24713400). This variant has not been reported in the literature in individuals with CHEK2-related disease. This variant is not present in population databases (ExAC no frequency). This sequence change creates a premature translational stop signal (p.Asp207Glufs*10) in the CHEK2 gene. It is expected to result in an absent or disrupted protein product.

Literature cited by the submitters: PubMed 21876083; PubMed 24713400.

NM_007194.4(CHEK2):c.621del (p.Asp207fs)

Gene: CHEK2 (checkpoint kinase 2; minus strand). Cytogenetic location: 22q12.1.
Variant type: Deletion.
Coding change: c.621del on transcript NM_007194.4 (MANE Select); coding-DNA position 621, one base deleted (T; older notation c.621delT).
Protein change: p.Asp207fs; shifts the reading frame from aspartic acid 207.
Molecular consequence: frameshift variant. On other transcripts: 5 prime UTR variant (2), intron variant (1).
Genome position (GRCh38, 1-based): chr22:28,719,457, A deleted on the plus strand (T on the coding strand, the reverse complement: CHEK2 is on the minus strand). VCF-style (leftmost placement, unchanged base first): chr22-28719456-CA-C. GRCh37 (hg19) VCF-style: chr22-29115444-CA-C.
Other names: c.750del, p.Asp250fs (NM_001005735.3, NM_001438294.1); c.-43del (NM_001257387.3, NM_001437942.1); c.714del, p.Asp238fs (NM_001438293.1, NM_001438295.1); c.621del, p.Asp207fs (NM_145862.3); c.482+5429del (NM_001349956.3); short protein forms D207fs, D250fs, D238fs.
Identifiers: ClinVar variation 581433 (VCV000581433.7), dbSNP rs1569150017, ClinGen allele CA891844556.
Genomic context (GRCh38, chr22:28,719,456, plus strand): 5'-TTCCAAGAGTTTTTGACATGATGTATTCATCTCTTAATGCCTTAGGATAAACTGACTGAT[CA>C]TCTACAGTCAGATCAAAAAAGACAAAAACTAAGGAAGAAAAGAGTAGAAATGGGTTTCAT-3'